The following is an entry in ClinVar:

NM_004385.5(VCAN):c.5732G>A (p.Arg1911Gln)

Genes: VCAN (versican; plus strand), VCAN-AS1 (VCAN antisense RNA 1; minus strand). Cytogenetic location: 5q14.3.
Variant type: single nucleotide variant.
Coding change: c.5732G>A on transcript NM_004385.5 (MANE Select); coding-DNA position 5732, G replaced by A.
Protein change: p.Arg1911Gln; replaces arginine 1911 with glutamine.
Molecular consequence: missense variant. On other transcripts: intron variant (2).
Genome position (GRCh38, 1-based): chr5:83,538,735, G>A. VCF-style: chr5-83538735-G-A. GRCh37 (hg19) VCF-style: chr5-82834554-G-A.
Other names: c.2771G>A, p.Arg924Gln (NM_001164097.2); c.4004-6802G>A (NM_001164098.2); c.1043-6802G>A (NM_001126336.3); short protein forms R1911Q, R924Q.
Identifiers: ClinVar variation 858758 (VCV000858758.12), dbSNP rs149195788, ClinGen allele CA3333373.

ClinVar aggregate classification (germline): Uncertain significance. Review status: criteria provided, multiple submitters, no conflicts (2 of 4 stars). 2 submissions from 2 submitters: Uncertain significance (2). Last evaluated 2026-01-26.

Conditions:
Inborn genetic diseases. Identifiers: MedGen C0950123, MeSH D030342.

Allele frequency attached by ClinVar (database versions not stated): ExAC 0.00003; gnomAD 0.00005; gnomAD exomes 0.00005 and 0.00006; TOPMed 0.00005; ESP Exome Variant Server 0.00008.
gnomAD v4.1: 95 of 1,613,926 alleles (0.0059%); highest among the groups gnomAD compares: East Asian, 0.029%; no homozygotes.

Submissions (2):

Labcorp Genetics (formerly Invitae), Labcorp
Classification: Uncertain significance. Last evaluated: 2026-01-26. Review status: criteria provided, single submitter. Criteria: Invitae Variant Classification Sherloc (09022015). Collection method: clinical testing. Allele origin: germline.
Comment: This sequence change replaces arginine, which is basic and polar, with glutamine, which is neutral and polar, at codon 1911 of the VCAN protein (p.Arg1911Gln). This variant is present in population databases (rs149195788, gnomAD 0.01%). This variant has not been reported in the literature in individuals affected with VCAN-related conditions. ClinVar contains an entry for this variant (Variation ID: 858758). An algorithm developed to predict the effect of missense changes on protein structure and function (PolyPhen-2) suggests that this variant is likely to be tolerated. In summary, the available evidence is currently insufficient to determine the role of this variant in disease. Therefore, it has been classified as a Variant of Uncertain Significance.

Ambry Genetics
Classification: Uncertain significance for Inborn genetic diseases. Last evaluated: 2023-03-27. Review status: criteria provided, single submitter. Criteria: Ambry Variant Classification Scheme 2023. Collection method: clinical testing. Allele origin: germline.